The following is an entry in ClinVar:

ClinVar aggregate classification (germline): Likely benign. Review status: criteria provided, multiple submitters, no conflicts (2 of 4 stars). 2 submissions from 2 submitters: Likely benign (2). Last evaluated 2025-10-21.

Conditions:
Ehlers-Danlos syndrome, type 4 (EDSVASC). Also called: Ehlers-Danlos Syndrome Type IV; Ehlers-Danlos syndrome vascular type; Ehlers Danlos syndrome, ecchymotic type; Ehlers Danlos syndrome, arterial type; Ehlers Danlos syndrome, Sack-Barabas type. Identifiers: Orphanet 286, MedGen C0268338, MONDO:0017314, OMIM 130050.

Allele frequency attached by ClinVar (database versions not stated): TOPMed below 0.00001; gnomAD 0.00001.
gnomAD v4.1: 3 of 1,613,998 alleles (0.00019%); highest among the groups gnomAD compares: Non-Finnish European, 0.00025%; no homozygotes.

Submissions (2):

Labcorp Genetics (formerly Invitae), Labcorp
Classification: Likely benign for Ehlers-Danlos syndrome, type 4. Last evaluated: 2025-10-21. Review status: criteria provided, single submitter. Criteria: Invitae Variant Classification Sherloc (09022015). Collection method: clinical testing. Allele origin: germline.

All of Us Research Program, National Institutes of Health
Classification: Likely benign for Ehlers-Danlos syndrome, type 4. Last evaluated: 2023-11-02. Review status: criteria provided, single submitter. Criteria: ACMG Guidelines, 2015. Collection method: clinical testing. Allele origin: germline. Inheritance: Autosomal dominant inheritance. Observed: 3 variant alleles, 3 heterozygotes.
Comment: This study involves interpretation of variants in research participants for the purpose of population health screening. Participant phenotype was not available at the time of variant classification. Additional details can be found in publication PMID: 35346344, PMCID: PMC8962531

NM_000090.4(COL3A1):c.2373T>G (p.Ala791=)

Genes: COL3A1 (collagen type III alpha 1 chain; plus strand), LOC126806446 (P300/CBP strongly-dependent group 1 enhancer GRCh37_chr2:189866210-189867409; plus strand). Cytogenetic location: 2q32.2.
Variant type: single nucleotide variant.
Coding change: c.2373T>G on transcript NM_000090.4 (MANE Select); coding-DNA position 2373, T replaced by G.
Protein change: p.Ala791=; no amino-acid change (alanine 791 retained).
Molecular consequence: synonymous variant.
Genome position (GRCh38, 1-based): chr2:189,001,571, T>G. VCF-style: chr2-189001571-T-G. GRCh37 (hg19) VCF-style: chr2-189866297-T-G.
Identifiers: ClinVar variation 3070533 (VCV003070533.2), dbSNP rs200452382, ClinGen allele CA430311033.
Genomic context (GRCh38, chr2:189,001,571, plus strand): 5'-AGTGACATGGCTTCTCTTTTTCCAGGGTGAAGGTGGTGCCCCCGGACTTCCAGGTATAGC[T>G]GGACCTCGTGGTAGCCCTGTAAGTGTTAAAGACATTCTCAACATACTTTTTAACCCCATA-3'
Protein context (NP_000081.2, residues 781-801): EGGAPGLPGI[Ala791=]GPRGSPGERG